The following is an entry in ClinVar:

ClinVar aggregate classification (germline): Uncertain significance (1 of 4 stars; one submission).

Submission:

Labcorp Genetics (formerly Invitae), Labcorp
Classification: Uncertain significance. Last evaluated: 2024-10-25. Review status: criteria provided, single submitter. Criteria: Invitae Variant Classification Sherloc (09022015). Collection method: clinical testing. Allele origin: germline.
Comment: This sequence change replaces glutamic acid, which is acidic and polar, with glutamine, which is neutral and polar, at codon 497 of the CAPN5 protein (p.Glu497Gln). This variant is not present in population databases (gnomAD no frequency). This variant has not been reported in the literature in individuals affected with CAPN5-related conditions. An algorithm developed to predict the effect of missense changes on protein structure and function (PolyPhen-2) suggests that this variant is likely to be disruptive. In summary, the available evidence is currently insufficient to determine the role of this variant in disease. Therefore, it has been classified as a Variant of Uncertain Significance.

NM_004055.5(CAPN5):c.1489G>C (p.Glu497Gln)

Gene: CAPN5 (calpain 5; plus strand). Cytogenetic location: 11q13.5.
Variant type: single nucleotide variant.
Coding change: c.1489G>C on transcript NM_004055.5 (MANE Select); coding-DNA position 1489, G replaced by C.
Protein change: p.Glu497Gln; replaces glutamic acid 497 with glutamine.
Molecular consequence: missense variant.
Genome position (GRCh38, 1-based): chr11:77,121,935, G>C. VCF-style: chr11-77121935-G-C. GRCh37 (hg19) VCF-style: chr11-76832981-G-C.
Other names: c.1609G>C, p.Glu537Gln (NM_001425321.1); c.1489G>C, p.Glu497Gln (NM_001425322.1); c.1357G>C, p.Glu453Gln (NM_001425323.1); short protein forms E537Q, E453Q, E497Q.
Identifiers: ClinVar variation 2695955 (VCV002695955.3), dbSNP rs2496311323, ClinGen allele CA381943495.